The following is an entry in ClinVar:

NM_004385.5(VCAN):c.8318T>C (p.Leu2773Ser)

Genes: VCAN (versican; plus strand), VCAN-AS1 (VCAN antisense RNA 1; minus strand). Cytogenetic location: 5q14.3.
Variant type: single nucleotide variant.
Coding change: c.8318T>C on transcript NM_004385.5 (MANE Select); coding-DNA position 8318, T replaced by C.
Protein change: p.Leu2773Ser; replaces leucine 2773 with serine.
Molecular consequence: missense variant. On other transcripts: intron variant (2).
Genome position (GRCh38, 1-based): chr5:83,541,321, T>C. VCF-style: chr5-83541321-T-C. GRCh37 (hg19) VCF-style: chr5-82837140-T-C.
Other names: c.5357T>C, p.Leu1786Ser (NM_001164097.2); c.4004-4216T>C (NM_001164098.2); c.1043-4216T>C (NM_001126336.3); short protein forms L1786S, L2773S.
Identifiers: ClinVar variation 1005624 (VCV001005624.8), dbSNP rs1746980031, ClinGen allele CA360316661.

ClinVar aggregate classification (germline): Uncertain significance (1 of 4 stars; one submission).

Submission:

Labcorp Genetics (formerly Invitae), Labcorp
Classification: Uncertain significance. Last evaluated: 2020-10-21. Review status: criteria provided, single submitter. Criteria: Invitae Variant Classification Sherloc (09022015). Collection method: clinical testing. Allele origin: germline.
Comment: Algorithms developed to predict the effect of missense changes on protein structure and function are either unavailable or do not agree on the potential impact of this missense change (SIFT: "Deleterious"; PolyPhen-2: "Benign"; Align-GVGD: "Class C25"). In summary, the available evidence is currently insufficient to determine the role of this variant in disease. Therefore, it has been classified as a Variant of Uncertain Significance. This variant has not been reported in the literature in individuals with VCAN-related conditions. This variant is not present in population databases (ExAC no frequency). This sequence change replaces leucine with serine at codon 2773 of the VCAN protein (p.Leu2773Ser). The leucine residue is highly conserved and there is a large physicochemical difference between leucine and serine.